The following is an entry in ClinVar:

ClinVar aggregate classification (germline): Likely benign (1 of 4 stars; one submission).

Submission:

Laboratorio de Genetica e Diagnostico Molecular, Hospital Israelita Albert Einstein
Classification: Likely benign. Last evaluated: 2021-12-01. Review status: criteria provided, single submitter. Criteria: ACMG Guidelines, 2015. Collection method: clinical testing. Allele origin: germline. Affected: yes.
Comment: ACMG classification criteria: PM2, BS4, BP7

NM_133433.4(NIPBL):c.6588A>G (p.Leu2196=)

Gene: NIPBL (NIPBL cohesin loading factor; plus strand). Cytogenetic location: 5p13.2.
Variant type: single nucleotide variant.
Coding change: c.6588A>G on transcript NM_133433.4 (MANE Select); coding-DNA position 6588, A replaced by G.
Protein change: p.Leu2196=; no amino-acid change (leucine 2196 retained).
Molecular consequence: synonymous variant.
Genome position (GRCh38, 1-based): chr5:37,046,198, A>G. VCF-style: chr5-37046198-A-G. GRCh37 (hg19) VCF-style: chr5-37046300-A-G.
Other names: c.6588A>G, p.Leu2196= (NM_015384.5).
Identifiers: ClinVar variation 1690527 (VCV001690527.2), dbSNP rs2149733797, ClinGen allele CA443907072.